The following is an entry in ClinVar:

ClinVar aggregate classification (germline): Likely benign. Review status: criteria provided, multiple submitters, no conflicts (2 of 4 stars). 2 submissions from 2 submitters: Likely benign (2). Last evaluated 2023-11-01.

Allele frequency attached by ClinVar (database versions not stated): gnomAD exomes 0.00001; TOPMed 0.00001.
gnomAD v4.1: 7 of 1,612,312 alleles (0.00043%); highest among the groups gnomAD compares: Non-Finnish European, 0.00059%; no homozygotes.

Submissions (2):

Labcorp Genetics (formerly Invitae), Labcorp
Classification: Likely benign. Last evaluated: 2023-11-01. Review status: criteria provided, single submitter. Criteria: Invitae Variant Classification Sherloc (09022015). Collection method: clinical testing. Allele origin: germline.

GeneDx
Classification: Likely benign. Last evaluated: 2017-09-27. Review status: criteria provided, single submitter. Criteria: GeneDx Variant Classification (06012015). Collection method: clinical testing. Allele origin: germline. Affected: yes.
Comment: This variant is considered likely benign or benign based on one or more of the following criteria: it is a conservative change, it occurs at a poorly conserved position in the protein, it is predicted to be benign by multiple in silico algorithms, and/or has population frequency not consistent with disease.

NM_080680.3(COL11A2):c.2430+15C>T

Gene: COL11A2 (collagen type XI alpha 2 chain; minus strand). Cytogenetic location: 6p21.32.
Variant type: single nucleotide variant.
Coding change: c.2430+15C>T on transcript NM_080680.3 (MANE Select); 15 bases into the intron after coding-DNA position 2430, C replaced by T.
Molecular consequence: intron variant.
Genome position (GRCh38, 1-based): chr6:33,174,512, G>A on the plus strand (C>T on the coding strand, the complement: COL11A2 is on the minus strand). VCF-style: chr6-33174512-G-A. GRCh37 (hg19) VCF-style: chr6-33142289-G-A.
Other names: c.2109+15C>T (NM_080679.3); c.2172+15C>T (NM_080681.3).
Identifiers: ClinVar variation 512331 (VCV000512331.4), dbSNP rs1471667955, ClinGen allele CA658796736.